The following is an entry in ClinVar:

ClinVar aggregate classification (germline): Uncertain significance (1 of 4 stars; one submission).

Conditions:
Hypertrophic cardiomyopathy. Also called: HYPERTROPHIC MYOCARDIOPATHY. Identifiers: Orphanet 217569, MedGen C0007194, MeSH D002312, MONDO:0005045, HP:0001639.

gnomAD v4.1: 1 of 1,614,150 alleles (0.000062%); no homozygotes.

Submission:

All of Us Research Program, National Institutes of Health
Classification: Uncertain significance for Hypertrophic cardiomyopathy. Last evaluated: 2024-04-16. Review status: criteria provided, single submitter. Criteria: ACMG Guidelines, 2015. Collection method: clinical testing. Allele origin: germline. Inheritance: Autosomal dominant inheritance. Observed: 1 variant allele, 1 heterozygote.
Comment: This missense variant replaces alanine with threonine at codon 82 of the MYL3 protein. Computational prediction suggests that this variant may have deleterious impact on protein structure and function (internally defined REVEL score threshold >= 0.7, PMID: 27666373). To our knowledge, functional studies have not been reported for this variant. This variant has not been reported in individuals affected with MYL3-related disorders in the literature. This variant has not been identified in the general population by the Genome Aggregation Database (gnomAD). The available evidence is insufficient to determine the role of this variant in disease conclusively. Therefore, this variant is classified as a Variant of Uncertain Significance.

This study involves interpretation of variants in research participants for the purpose of population health screening. Participant phenotype was not available at the time of variant classification. Additional details can be found in publication PMID: 35346344, PMCID: PMC8962531

NM_000258.3(MYL3):c.244G>A (p.Ala82Thr)

Gene: MYL3 (myosin light chain 3; minus strand). Cytogenetic location: 3p21.31.
Variant type: single nucleotide variant.
Coding change: c.244G>A on transcript NM_000258.3 (MANE Select); coding-DNA position 244, G replaced by A.
Protein change: p.Ala82Thr; replaces alanine 82 with threonine.
Molecular consequence: missense variant.
Genome position (GRCh38, 1-based): chr3:46,860,739, C>T on the plus strand (G>A on the coding strand, the complement: MYL3 is on the minus strand). VCF-style: chr3-46860739-C-T. GRCh37 (hg19) VCF-style: chr3-46902229-C-T.
Other names: c.244G>A, p.Ala82Thr (NM_001406939.1, NM_001406937.1, NM_001406938.1); c.70G>A, p.Ala24Thr (NM_001406940.1, NM_001406941.1); short protein forms A24T, A82T.
Identifiers: ClinVar variation 3387382 (VCV003387382.1).